The following is an entry in ClinVar:

NM_014915.3(ANKRD26):c.2420C>G (p.Thr807Arg)

Gene: ANKRD26 (ankyrin repeat domain containing 26; minus strand). Cytogenetic location: 10p12.1.
Variant type: single nucleotide variant.
Coding change: c.2420C>G on transcript NM_014915.3 (MANE Select); coding-DNA position 2420, C replaced by G.
Protein change: p.Thr807Arg; replaces threonine 807 with arginine.
Molecular consequence: missense variant.
Genome position (GRCh38, 1-based): chr10:27,038,010, G>C on the plus strand (C>G on the coding strand, the complement: ANKRD26 is on the minus strand). VCF-style: chr10-27038010-G-C. GRCh37 (hg19) VCF-style: chr10-27326939-G-C.
Other names: c.2417C>G, p.Thr806Arg (NM_001256053.2); short protein forms T806R, T807R.
Identifiers: ClinVar variation 3912951 (VCV003912951.1).

ClinVar aggregate classification (germline): Uncertain significance (1 of 4 stars; one submission).

Conditions:
Inborn genetic diseases. Identifiers: MedGen C0950123, MeSH D030342.

Submission:

Ambry Genetics
Classification: Uncertain significance for Inborn genetic diseases. Last evaluated: 2025-03-18. Review status: criteria provided, single submitter. Criteria: Ambry Variant Classification Scheme 2023. Collection method: clinical testing. Allele origin: germline.
Comment: The p.T807R variant (also known as c.2420C>G), located in coding exon 22 of the ANKRD26 gene, results from a C to G substitution at nucleotide position 2420. The threonine at codon 807 is replaced by arginine, an amino acid with similar properties. This amino acid position is conserved. In addition, this alteration is predicted to be tolerated by in silico analysis. Based on the available evidence, the clinical significance of this variant remains unclear.